The following is an entry in ClinVar:

ClinVar aggregate classification (germline): Uncertain significance (1 of 4 stars; one submission).

Conditions:
Cardiovascular phenotype. Identifiers: MedGen CN230736.

Allele frequency attached by ClinVar (database versions not stated): gnomAD exomes 0.00001.
gnomAD v4.1: 6 of 1,550,430 alleles (0.00039%); highest among the groups gnomAD compares: Non-Finnish European, 0.00052%; no homozygotes.

Submission:

Ambry Genetics
Classification: Uncertain significance for Cardiovascular phenotype. Last evaluated: 2021-08-26. Review status: criteria provided, single submitter. Criteria: Ambry Variant Classification Scheme 2023. Collection method: clinical testing. Allele origin: germline.
Comment: The p.L3907H variant (also known as c.11720T>A), located in coding exon 2 of the ZNF469 gene, results from a T to A substitution at nucleotide position 11720. The leucine at codon 3907 is replaced by histidine, an amino acid with similar properties. This amino acid position is conserved. In addition, this alteration is predicted to be tolerated by in silico analysis. Since supporting evidence is limited at this time, the clinical significance of this alteration remains unclear.

NM_001367624.2(ZNF469):c.11804T>A (p.Leu3935His)

Gene: ZNF469 (zinc finger protein 469; plus strand). Cytogenetic location: 16q24.2.
Variant type: single nucleotide variant.
Coding change: c.11804T>A on transcript NM_001367624.2 (MANE Select); coding-DNA position 11804, T replaced by A.
Protein change: p.Leu3935His; replaces leucine 3935 with histidine.
Molecular consequence: missense variant.
Genome position (GRCh38, 1-based): chr16:88,439,274, T>A. VCF-style: chr16-88439274-T-A. GRCh37 (hg19) VCF-style: chr16-88505682-T-A.
Other names: NM_001127464.1:c.11720T>A; short protein forms L3935H.
Identifiers: ClinVar variation 1739819 (VCV001739819.2), dbSNP rs2507610156, ClinGen allele CA397131297.